The following is an entry in ClinVar:

NM_022089.4(ATP13A2):c.2709C>G (p.Val903=)

Gene: ATP13A2 (ATPase cation transporting 13A2; minus strand). Cytogenetic location: 1p36.13.
Variant type: single nucleotide variant.
Coding change: c.2709C>G on transcript NM_022089.4 (MANE Select); coding-DNA position 2709, C replaced by G.
Protein change: p.Val903=; no amino-acid change (valine 903 retained).
Molecular consequence: synonymous variant.
Genome position (GRCh38, 1-based): chr1:16,988,375, G>C on the plus strand (C>G on the coding strand, the complement: ATP13A2 is on the minus strand). VCF-style: chr1-16988375-G-C. GRCh37 (hg19) VCF-style: chr1-17314870-G-C.
Other names: c.2694C>G, p.Val898= (NM_001141973.3); c.2577C>G, p.Val859= (NM_001141974.3).
Identifiers: ClinVar variation 772797 (VCV000772797.47), dbSNP rs145455452, ClinGen allele CA636733.

ClinVar aggregate classification (germline): Likely benign. Review status: criteria provided, multiple submitters, no conflicts (2 of 4 stars). 4 submissions from 4 submitters: Likely benign (4). Last evaluated 2026-03-26.

Conditions:
Autosomal recessive spastic paraplegia type 78. Identifiers: Orphanet 513436, MedGen C5567893, MONDO:0014975, OMIM 617225.
Kufor-Rakeb syndrome (KRS). Also called: PARKINSON DISEASE 9, AUTOSOMAL RECESSIVE, JUVENILE-ONSET. Identifiers: Orphanet 306674, Orphanet 314632, MedGen C1847640, MONDO:0011706, OMIM 606693.

Allele frequency attached by ClinVar (database versions not stated): gnomAD 0.00010 and 0.00011; ESP Exome Variant Server 0.00015; 1000 Genomes Project 30x 0.00016; gnomAD exomes 0.00016; TOPMed 0.00016; ExAC 0.00019; 1000 Genomes Project 0.00020.
gnomAD v4.1: 201 of 1,614,150 alleles (0.012%); highest among the groups gnomAD compares: Middle Eastern, 0.16%; 1 homozygote.

Submissions (4):

Women's Health and Genetics/Laboratory Corporation of America, LabCorp
Classification: Likely benign. Last evaluated: 2026-03-26. Review status: criteria provided, single submitter. Criteria: LabCorp Variant Classification Summary - May 2015. Collection method: clinical testing. Allele origin: germline.

Labcorp Genetics (formerly Invitae), Labcorp
Classification: Likely benign for Kufor-Rakeb syndrome; Autosomal recessive spastic paraplegia type 78. Last evaluated: 2026-02-01. Review status: criteria provided, single submitter. Criteria: Invitae Variant Classification Sherloc (09022015). Collection method: clinical testing. Allele origin: germline.

Blueprint Genetics
Classification: Likely benign. Last evaluated: 2024-10-09. Review status: criteria provided, single submitter. Criteria: ACMG Guidelines, 2015. Collection method: clinical testing. Allele origin: germline.

CeGaT Center for Human Genetics Tuebingen
Classification: Likely benign. Last evaluated: 2024-07-01. Review status: criteria provided, single submitter. Criteria: CeGaT Center For Human Genetics Tuebingen Variant Classification Criteria Version 2. Collection method: clinical testing. Allele origin: germline. Affected: yes. Observed: 3 variant alleles.
Comment: ATP13A2: BP4, BP7